The following is an entry in ClinVar:

ClinVar aggregate classification (germline): Uncertain significance (1 of 4 stars; one submission).

Allele frequency attached by ClinVar (database versions not stated): gnomAD exomes below 0.00001; gnomAD 0.00001; TOPMed 0.00002.
gnomAD v4.1: 2 of 1,613,962 alleles (0.00012%); highest among the groups gnomAD compares: African/African-American, 0.0013%; no homozygotes.

Submission:

Labcorp Genetics (formerly Invitae), Labcorp
Classification: Uncertain significance. Last evaluated: 2022-07-30. Review status: criteria provided, single submitter. Criteria: Invitae Variant Classification Sherloc (09022015). Collection method: clinical testing. Allele origin: germline.
Comment: This sequence change replaces arginine, which is basic and polar, with lysine, which is basic and polar, at codon 182 of the PLAA protein (p.Arg182Lys). This variant is present in population databases (no rsID available, gnomAD 0.01%). This variant has not been reported in the literature in individuals affected with PLAA-related conditions. Algorithms developed to predict the effect of missense changes on protein structure and function (SIFT, PolyPhen-2, Align-GVGD) all suggest that this variant is likely to be tolerated. In summary, the available evidence is currently insufficient to determine the role of this variant in disease. Therefore, it has been classified as a Variant of Uncertain Significance.

NM_001031689.3(PLAA):c.545G>A (p.Arg182Lys)

Gene: PLAA (phospholipase A2 activating protein; minus strand). Cytogenetic location: 9p21.2.
Variant type: single nucleotide variant.
Coding change: c.545G>A on transcript NM_001031689.3 (MANE Select); coding-DNA position 545, G replaced by A.
Protein change: p.Arg182Lys; replaces arginine 182 with lysine.
Molecular consequence: missense variant.
Genome position (GRCh38, 1-based): chr9:26,928,120, C>T on the plus strand (G>A on the coding strand, the complement: PLAA is on the minus strand). VCF-style: chr9-26928120-C-T. GRCh37 (hg19) VCF-style: chr9-26928118-C-T.
Other names: c.545G>A, p.Arg182Lys (NM_001321546.2); short protein forms R182K.
Identifiers: ClinVar variation 2180320 (VCV002180320.4), dbSNP rs1206910244, ClinGen allele CA373133868.